The following is an entry in ClinVar:

ClinVar aggregate classification (germline): Benign/Likely benign. Review status: criteria provided, multiple submitters, no conflicts (2 of 4 stars). 2 submissions from 2 submitters: Benign (1); Likely benign (1). Last evaluated 2026-05-01.

Submissions (2):

CeGaT Center for Human Genetics Tuebingen
Classification: Benign. Last evaluated: 2026-05-01. Review status: criteria provided, single submitter. Criteria: CeGaT Center For Human Genetics Tuebingen Variant Classification Criteria Version 2. Collection method: clinical testing. Allele origin: germline. Affected: yes. Observed: 5 variant alleles.
Comment: KMT2C: BP4, BS1, BS2

Labcorp Genetics (formerly Invitae), Labcorp
Classification: Likely benign. Last evaluated: 2025-12-11. Review status: criteria provided, single submitter. Criteria: Invitae Variant Classification Sherloc (09022015). Collection method: clinical testing. Allele origin: germline.

NM_170606.3(KMT2C):c.7443-6_7443-5insTTTTA

Gene: KMT2C (lysine methyltransferase 2C; minus strand). Cytogenetic location: 7q36.1.
Variant type: Insertion.
Coding change: c.7443-6_7443-5insTTTTA on transcript NM_170606.3 (MANE Select); 6 bases into the intron before coding-DNA position 7443 through 5 bases into the intron before coding-DNA position 7443, TTTTA inserted.
Molecular consequence: intron variant.
Genome position: GRCh38 VCF-style: chr7-152178015-T-TTAAAA. GRCh37 (hg19) VCF-style: chr7-151875100-T-TTAAAA.
Identifiers: ClinVar variation 2081267 (VCV002081267.28), dbSNP rs1491309235, ClinGen allele CA835337225.